The following is an entry in ClinVar:

ClinVar aggregate classification (germline): Uncertain significance (1 of 4 stars; one submission).

Submission:

GeneDx
Classification: Uncertain significance. Last evaluated: 2024-10-18. Review status: criteria provided, single submitter. Criteria: GeneDx Variant Classification Process June 2021. Collection method: clinical testing. Allele origin: germline. Affected: yes.
Comment: Not observed at significant frequency in large population cohorts (gnomAD); In silico analysis supports that this missense variant has a deleterious effect on protein structure/function; Has not been previously published as pathogenic or benign to our knowledge

NM_006922.4(SCN3A):c.1852G>A (p.Gly618Arg)

Gene: SCN3A (sodium voltage-gated channel alpha subunit 3; minus strand). Cytogenetic location: 2q24.3.
Variant type: single nucleotide variant.
Coding change: c.1852G>A on transcript NM_006922.4 (MANE Select); coding-DNA position 1852, G replaced by A.
Protein change: p.Gly618Arg; replaces glycine 618 with arginine.
Molecular consequence: missense variant.
Genome position (GRCh38, 1-based): chr2:165,140,818, C>T on the plus strand (G>A on the coding strand, the complement: SCN3A is on the minus strand). VCF-style: chr2-165140818-C-T. GRCh37 (hg19) VCF-style: chr2-165997328-C-T.
Other names: c.1852G>A, p.Gly618Arg (NM_001081676.2, NM_001081677.2); short protein forms G618R.
Identifiers: ClinVar variation 3781240 (VCV003781240.1).